The following is an entry in ClinVar:

NM_206933.4(USH2A):c.12656A>C (p.Glu4219Ala)

Gene: USH2A (usherin; minus strand). Cytogenetic location: 1q41.
Variant type: single nucleotide variant.
Coding change: c.12656A>C on transcript NM_206933.4 (MANE Select); coding-DNA position 12656, A replaced by C.
Protein change: p.Glu4219Ala; replaces glutamic acid 4219 with alanine.
Molecular consequence: missense variant.
Genome position (GRCh38, 1-based): chr1:215,675,255, T>G on the plus strand (A>C on the coding strand, the complement: USH2A is on the minus strand). VCF-style: chr1-215675255-T-G. GRCh37 (hg19) VCF-style: chr1-215848597-T-G.
Other names: short protein forms E4219A.
Identifiers: ClinVar variation 1810089 (VCV001810089.1), dbSNP rs1420934635, ClinGen allele CA344850141.

ClinVar aggregate classification (germline): Uncertain significance (1 of 4 stars; one submission).

Allele frequency attached by ClinVar (database versions not stated): TOPMed below 0.00001.

Submission:

GeneDx
Classification: Uncertain significance. Last evaluated: 2022-06-27. Review status: criteria provided, single submitter. Criteria: GeneDx Variant Classification Process June 2021. Collection method: clinical testing. Allele origin: germline. Affected: yes.
Comment: Not observed at significant frequency in large population cohorts (gnomAD); In silico analysis supports that this missense variant does not alter protein structure/function; Has not been previously published as pathogenic or benign to our knowledge